The following is an entry in ClinVar:

ClinVar aggregate classification (germline): Uncertain significance (1 of 4 stars; one submission).

Conditions:
Leukodystrophy, hypomyelinating, 4. Also called: MITCHAP60 DISEASE; MITOCHONDRIAL HSP60 CHAPERONOPATHY. Identifiers: Orphanet 280270, Orphanet 280288, MedGen C2677109, MONDO:0012824, OMIM 612233.

Submission:

Neuberg Centre For Genomic Medicine, NCGM
Classification: Uncertain significance for Leukodystrophy, hypomyelinating, 4. Last evaluated: 2023-06-22. Review status: criteria provided, single submitter. Criteria: ACMG Guidelines, 2015. Collection method: clinical testing. Allele origin: germline. Inheritance: Autosomal recessive inheritance. Affected: yes.
Comment: The missense variant c.1151A>Cp.Glu384Ala in HSPD1 gene has not been reported previously as a pathogenic variant nor as a benign variant, to our knowledge. The observed variant is absent in gnomAD exomes database. This variant has not been submitted to the ClinVar database. Multiple lines of computational evidence Polyphen - probably damaging, SIFT - damaging and MutationTaster - disease causing predict a damaging effect on protein structure and function for this variant. The reference amino acid change p.Glu384Ala in HSPD1 is predicted as conserved by GERP++ and PhyloP across 100 vertebrates. The amino acid Glu at position 384 is changed to a Ala changing protein sequence and it might alter its composition and physico-chemical properties. For these reasons, this variant has been classified as Uncertain Significance VUS.

NM_002156.5(HSPD1):c.1151A>C (p.Glu384Ala)

Gene: HSPD1 (heat shock protein family D (Hsp60) member 1; minus strand). Cytogenetic location: 2q33.1.
Variant type: single nucleotide variant.
Coding change: c.1151A>C on transcript NM_002156.5 (MANE Select); coding-DNA position 1151, A replaced by C.
Protein change: p.Glu384Ala; replaces glutamic acid 384 with alanine.
Molecular consequence: missense variant.
Genome position (GRCh38, 1-based): chr2:197,489,066, T>G on the plus strand (A>C on the coding strand, the complement: HSPD1 is on the minus strand). VCF-style: chr2-197489066-T-G. GRCh37 (hg19) VCF-style: chr2-198353790-T-G.
Other names: c.1151A>C, p.Glu384Ala (NM_199440.2); short protein forms E384A.
Identifiers: ClinVar variation 3391391 (VCV003391391.1).